The following is an entry in ClinVar:

NM_000465.4(BARD1):c.979A>G (p.Arg327Gly)

Gene: BARD1 (BRCA1 associated RING domain 1; minus strand). Cytogenetic location: 2q35.
Variant type: single nucleotide variant.
Coding change: c.979A>G on transcript NM_000465.4 (MANE Select); coding-DNA position 979, A replaced by G.
Protein change: p.Arg327Gly; replaces arginine 327 with glycine.
Molecular consequence: missense variant. On other transcripts: non-coding transcript variant (2), intron variant (3).
Genome position (GRCh38, 1-based): chr2:214,780,895, T>C on the plus strand (A>G on the coding strand, the complement: BARD1 is on the minus strand). VCF-style: chr2-214780895-T-C. GRCh37 (hg19) VCF-style: chr2-215645619-T-C.
Other names: c.922A>G, p.Arg308Gly (NM_001282543.2); c.159-28340A>G (NM_001282548.2); c.215+16166A>G (NM_001282545.2); c.364+11402A>G (NM_001282549.2); short protein forms R327G, R308G.
Identifiers: ClinVar variation 628847 (VCV000628847.5), dbSNP rs1559424358, ClinGen allele CA350454576.

ClinVar aggregate classification (germline): Uncertain significance (1 of 4 stars; one submission).

Conditions:
Hereditary cancer-predisposing syndrome. Also called: Neoplastic Syndromes, Hereditary; Tumor predisposition; Hereditary neoplastic syndrome; Hereditary Cancer Syndrome. Identifiers: Orphanet 140162, MedGen C0027672, MeSH D009386, MONDO:0015356.

Submission:

Color Diagnostics, LLC DBA Color Health
Classification: Uncertain significance for Hereditary cancer-predisposing syndrome. Last evaluated: 2023-12-04. Review status: criteria provided, single submitter. Criteria: ACMG Guidelines, 2015. Collection method: clinical testing. Allele origin: germline.
Comment: This missense variant replaces arginine with glycine at codon 327 of the BARD1 protein. Computational prediction suggests that this variant may not impact protein structure and function (internally defined REVEL score threshold <= 0.5, PMID: 27666373). To our knowledge, functional studies have not been reported for this variant. This variant has not been reported in individuals affected with BARD1-related disorders in the literature. This variant has not been identified in the general population by the Genome Aggregation Database (gnomAD). The available evidence is insufficient to determine the role of this variant in disease conclusively. Therefore, this variant is classified as a Variant of Uncertain Significance.